The following is an entry in ClinVar:

NM_016194.4(GNB5):c.417+27T>C

Gene: GNB5 (G protein subunit beta 5; minus strand). Cytogenetic location: 15q21.2.
Variant type: single nucleotide variant.
Coding change: c.417+27T>C on transcript NM_016194.4 (MANE Select); 27 bases into the intron after coding-DNA position 417, T replaced by C.
Molecular consequence: intron variant.
Genome position (GRCh38, 1-based): chr15:52,149,857, A>G on the plus strand (T>C on the coding strand, the complement: GNB5 is on the minus strand). VCF-style: chr15-52149857-A-G. GRCh37 (hg19) VCF-style: chr15-52442054-A-G.
Other names: c.291+27T>C (NM_006578.4); c.135+27T>C (NM_001379343.1).
Identifiers: ClinVar variation 3257685 (VCV003257685.17).
Genomic context (GRCh38, chr15:52,149,857, plus strand): 5'-GGACAGGGCCGGGCAGCTGGACCAGAGCACCTTTAAGTAGGCTGGGATTCTGAAGCCTCT[A>G]TAACGTGGCTGGGAACAATGCCTCACCTTGTTTGTGGTGAAGGAATCCCACACGATCACC-3'

ClinVar aggregate classification (germline): Likely benign (1 of 4 stars; one submission).

gnomAD v4.1: 26 of 1,577,088 alleles (0.0016%); highest among the groups gnomAD compares: Non-Finnish European, 0.0021%; no homozygotes.

Submission:

CeGaT Center for Human Genetics Tuebingen
Classification: Likely benign. Last evaluated: 2024-07-01. Review status: criteria provided, single submitter. Criteria: CeGaT Center For Human Genetics Tuebingen Variant Classification Criteria Version 2. Collection method: clinical testing. Allele origin: germline. Affected: yes. Observed: 1 variant allele.
Comment: GNB5: BP4, BP7